The following is an entry in ClinVar:

NM_001267550.2(TTN):c.104932A>T (p.Asn34978Tyr)

Genes: TTN (titin; minus strand), TTN-AS1 (TTN antisense RNA 1; plus strand). Cytogenetic location: 2q31.2.
Variant type: single nucleotide variant.
Coding change: c.104932A>T on transcript NM_001267550.2 (MANE Select); coding-DNA position 104932, A replaced by T.
Protein change: p.Asn34978Tyr; replaces asparagine 34978 with tyrosine.
Molecular consequence: missense variant.
Genome position (GRCh38, 1-based): chr2:178,531,683, T>A on the plus strand (A>T on the coding strand, the complement: TTN is on the minus strand). VCF-style: chr2-178531683-T-A. GRCh37 (hg19) VCF-style: chr2-179396410-T-A.
Other names: c.100009A>T, p.Asn33337Tyr (NM_001256850.1); c.77737A>T, p.Asn25913Tyr (NM_003319.4); c.97228A>T, p.Asn32410Tyr (NM_133378.4); c.78112A>T, p.Asn26038Tyr (NM_133432.3); c.78313A>T, p.Asn26105Tyr (NM_133437.4); short protein forms N32410Y, N25913Y, N33337Y, N26038Y, N26105Y, N34978Y.
Identifiers: ClinVar variation 4785566 (VCV004785566.1).

ClinVar aggregate classification (germline): Uncertain significance (1 of 4 stars; one submission).

Conditions:
Autosomal recessive limb-girdle muscular dystrophy type 2J (LGMDR10). Also called: Limb-girdle muscular dystrophy, type 2J; MUSCULAR DYSTROPHY, LIMB-GIRDLE, AUTOSOMAL RECESSIVE 10. Identifiers: Orphanet 140922, MedGen C1837342, MONDO:0012127, OMIM 608807.
Dilated cardiomyopathy 1G (CMD1G). Identifiers: Orphanet 154, MedGen C1858763, MONDO:0011400, OMIM 604145.

Submission:

Labcorp Genetics (formerly Invitae), Labcorp
Classification: Uncertain significance for Dilated cardiomyopathy 1G; Autosomal recessive limb-girdle muscular dystrophy type 2J. Last evaluated: 2025-07-30. Review status: criteria provided, single submitter. Criteria: Invitae Variant Classification Sherloc (09022015). Collection method: clinical testing. Allele origin: germline.
Comment: This sequence change replaces asparagine, which is neutral and polar, with tyrosine, which is neutral and polar, at codon 34978 of the TTN protein (p.Asn34978Tyr). This variant is not present in population databases (gnomAD no frequency). This variant has not been reported in the literature in individuals affected with TTN-related conditions. Experimental studies and prediction algorithms are not available or were not evaluated, and the functional significance of this variant is currently unknown. This variant is located in the M band of TTN (PMID: 25589632). Non-truncating variants in this region may be relevant for neuromuscular disorders, but have not been definitively shown to cause cardiomyopathy (PMID: 23975875). In summary, the available evidence is currently insufficient to determine the role of this variant in disease. Therefore, it has been classified as a Variant of Uncertain Significance.

Literature cited by the submitters: PubMed 25589632; PubMed 23975875.